The following is an entry in ClinVar:

NM_004370.6(COL12A1):c.3629T>A (p.Ile1210Asn)

Gene: COL12A1 (collagen type XII alpha 1 chain; minus strand). Cytogenetic location: 6q13.
Variant type: single nucleotide variant.
Coding change: c.3629T>A on transcript NM_004370.6 (MANE Select); coding-DNA position 3629, T replaced by A.
Protein change: p.Ile1210Asn; replaces isoleucine 1210 with asparagine.
Molecular consequence: missense variant.
Genome position (GRCh38, 1-based): chr6:75,152,419, A>T on the plus strand (T>A on the coding strand, the complement: COL12A1 is on the minus strand). VCF-style: chr6-75152419-A-T. GRCh37 (hg19) VCF-style: chr6-75862135-A-T.
Other names: c.3629T>A, p.Ile1210Asn (NM_001424113.1, NM_001424114.1); c.3356T>A, p.Ile1119Asn (NM_001424115.1); c.137T>A, p.Ile46Asn (NM_001424116.1, NM_080645.3); short protein forms I1119N, I1210N, I46N.
Identifiers: ClinVar variation 3900053 (VCV003900053.2).

ClinVar aggregate classification (germline): Uncertain significance. Review status: criteria provided, multiple submitters, no conflicts (2 of 4 stars). 2 submissions from 2 submitters: Uncertain significance (2). Last evaluated 2025-05-14.

Conditions:
Inborn genetic diseases. Identifiers: MedGen C0950123, MeSH D030342.

gnomAD v4.1: 1 of 1,613,662 alleles (0.000062%); highest among the groups gnomAD compares: Non-Finnish European, 0.000085%; no homozygotes.

Submissions (2):

Ambry Genetics
Classification: Uncertain significance for Inborn genetic diseases. Last evaluated: 2025-05-14. Review status: criteria provided, single submitter. Criteria: Ambry Variant Classification Scheme 2023. Collection method: clinical testing. Allele origin: germline.

GeneDx
Classification: Uncertain significance. Last evaluated: 2024-11-20. Review status: criteria provided, single submitter. Criteria: GeneDx Variant Classification Process June 2021. Collection method: clinical testing. Allele origin: germline. Affected: yes.
Comment: Not observed at significant frequency in large population cohorts (gnomAD); In silico analysis supports that this missense variant has a deleterious effect on protein structure/function; Has not been previously published as pathogenic or benign to our knowledge